The following is an entry in ClinVar:

ClinVar aggregate classification (germline): Likely benign (0 of 4 stars; one submission).

Conditions:
MIA3-related condition.

gnomAD v4.1: 3,914 of 1,613,740 alleles (0.24%); highest among the groups gnomAD compares: Non-Finnish European, 0.31%; 8 homozygotes.

Submission:

PreventionGenetics, part of Exact Sciences
Classification: Likely benign for MIA3-related condition. Last evaluated: 2024-09-19. Review status: no assertion criteria provided. Collection method: clinical testing. Allele origin: germline.
Comment: This variant is classified as likely benign based on ACMG/AMP sequence variant interpretation guidelines (Richards et al. 2015 PMID: 25741868, with internal and published modifications).

NM_198551.4(MIA3):c.4774G>A (p.Ala1592Thr)

Gene: MIA3 (MIA SH3 domain ER export factor 3; plus strand). Cytogenetic location: 1q41.
Variant type: single nucleotide variant.
Coding change: c.4774G>A on transcript NM_198551.4 (MANE Select); coding-DNA position 4774, G replaced by A.
Protein change: p.Ala1592Thr; replaces alanine 1592 with threonine.
Molecular consequence: missense variant.
Genome position (GRCh38, 1-based): chr1:222,659,625, G>A. VCF-style: chr1-222659625-G-A. GRCh37 (hg19) VCF-style: chr1-222832967-G-A.
Other names: c.1408G>A, p.Ala470Thr (NM_001300867.2, NM_001324065.2); c.4774G>A, p.Ala1592Thr (NM_001324062.2); c.4597G>A, p.Ala1533Thr (NM_001324063.2); c.4282G>A, p.Ala1428Thr (NM_001324064.2); short protein forms A1428T, A1533T, A1592T, A470T.
Identifiers: ClinVar variation 3350922 (VCV003350922.1).